The following is an entry in ClinVar:

ClinVar aggregate classification (germline): Likely benign. Review status: criteria provided, single submitter (1 of 4 stars). 2 submissions from 2 submitters: Likely benign (1). 1 of the submissions does not count toward it. Last evaluated 2023-03-12.

Conditions:
VPS13B-related disorder. Also called: VPS13B-related condition.
Cohen syndrome (COH1). Also called: PEPPER SYNDROME; Cutis verticis gyrata, retinitis pigmentosa, and sensorineural deafness. Identifiers: Orphanet 193, MedGen C0265223, MONDO:0008999, OMIM 216550.

Allele frequency attached by ClinVar (database versions not stated): gnomAD 0.00001; TOPMed 0.00001.
gnomAD v4.1: 2 of 1,613,478 alleles (0.00012%); highest among the groups gnomAD compares: African/African-American, 0.0027%; no homozygotes.

Submissions (2):

Labcorp Genetics (formerly Invitae), Labcorp
Classification: Likely benign for Cohen syndrome. Last evaluated: 2023-03-12. Review status: criteria provided, single submitter. Criteria: Invitae Variant Classification Sherloc (09022015). Collection method: clinical testing. Allele origin: germline.

PreventionGenetics, part of Exact Sciences
Classification: Uncertain significance for VPS13B-related condition. Last evaluated: 2024-03-30. Review status: no assertion criteria provided. Collection method: clinical testing. Allele origin: germline. Not counted in ClinVar's aggregate classification.
Comment: The VPS13B c.8446-8T>A variant is predicted to interfere with splicing. To our knowledge, this variant has not been reported in the literature. This variant is reported in 0.012% of alleles in individuals of African descent in gnomAD. At this time, the clinical significance of this variant is uncertain due to the absence of conclusive functional and genetic evidence.

NM_152564.5(VPS13B):c.8446-8T>A

Gene: VPS13B (vacuolar protein sorting 13 homolog B; plus strand). Cytogenetic location: 8q22.2.
Variant type: single nucleotide variant.
Coding change: c.8446-8T>A on transcript NM_152564.5 (MANE Select); 8 bases into the intron before coding-DNA position 8446, T replaced by A.
Molecular consequence: intron variant.
Genome position (GRCh38, 1-based): chr8:99,818,705, T>A. VCF-style: chr8-99818705-T-A. GRCh37 (hg19) VCF-style: chr8-100830933-T-A.
Other names: c.8521-8T>A (NM_017890.5); c.8446-8T>A (NM_152564.4).
Identifiers: ClinVar variation 1079345 (VCV001079345.10), dbSNP rs774202116, ClinGen allele CA4824475.